The following is an entry in ClinVar:

ClinVar aggregate classification (germline): Uncertain significance. Review status: criteria provided, multiple submitters, no conflicts (2 of 4 stars). 3 submissions from 3 submitters: Uncertain significance (3). Last evaluated 2024-06-14.

Conditions:
Mitochondrial complex IV deficiency, nuclear type 3. Also called: Mitochondrial complex 4 deficiency, nuclear type 3. Identifiers: MedGen C5436682, MONDO:0033635, OMIM 619046.
Inborn genetic diseases. Identifiers: MedGen C0950123, MeSH D030342.

Allele frequency attached by ClinVar (database versions not stated): ExAC 0.00001; gnomAD exomes 0.00002; TOPMed 0.00004; gnomAD 0.00005.
gnomAD v4.1: 52 of 1,612,502 alleles (0.0032%); highest among the groups gnomAD compares: Non-Finnish European, 0.0042%; no homozygotes.

Submissions (4):

Fulgent Genetics
Classification: Uncertain significance for Mitochondrial complex IV deficiency, nuclear type 3. Last evaluated: 2024-06-14. Review status: criteria provided, single submitter. Criteria: ACMG Guidelines, 2015. Collection method: clinical testing. Allele origin: germline.

Labcorp Genetics (formerly Invitae), Labcorp
Classification: Uncertain significance. Last evaluated: 2024-01-09. Review status: criteria provided, single submitter. Criteria: Invitae Variant Classification Sherloc (09022015). Collection method: clinical testing. Allele origin: germline.
Comment: This sequence change replaces arginine, which is basic and polar, with histidine, which is basic and polar, at codon 58 of the COX10 protein (p.Arg58His). This variant is present in population databases (rs772223730, gnomAD 0.003%). This variant has not been reported in the literature in individuals affected with COX10-related conditions. ClinVar contains an entry for this variant (Variation ID: 321812). Algorithms developed to predict the effect of missense changes on protein structure and function output the following: SIFT: "Not Available"; PolyPhen-2: "Benign"; Align-GVGD: "Not Available". The histidine amino acid residue is found in multiple mammalian species, which suggests that this missense change does not adversely affect protein function. In summary, the available evidence is currently insufficient to determine the role of this variant in disease. Therefore, it has been classified as a Variant of Uncertain Significance.

Ambry Genetics
Classification: Uncertain significance for Inborn genetic diseases. Last evaluated: 2023-04-11. Review status: criteria provided, single submitter. Criteria: Ambry Variant Classification Scheme 2023. Collection method: clinical testing. Allele origin: germline.

Johnston Lab, North Central College
No classification provided (evidence only). Review status: no classification provided. Collection method: in vitro. Allele origin: not applicable. Functional consequence: loss_of_function_variant. Not counted in ClinVar's aggregate classification.
ClinVar note: "not provided" was previously submitted as the classification for the variant. However, the classification appeared to be based only on an observation of functional data so it was converted to no classification on 2025-07-30.

NM_001303.4(COX10):c.173G>A (p.Arg58His)

Gene: COX10 (cytochrome c oxidase assembly factor heme A:farnesyltransferase COX10; plus strand). Cytogenetic location: 17p12.
Variant type: single nucleotide variant.
Coding change: c.173G>A on transcript NM_001303.4 (MANE Select); coding-DNA position 173, G replaced by A.
Protein change: p.Arg58His; replaces arginine 58 with histidine.
Molecular consequence: missense variant.
Genome position (GRCh38, 1-based): chr17:14,074,452, G>A. VCF-style: chr17-14074452-G-A. GRCh37 (hg19) VCF-style: chr17-13977769-G-A.
Other names: short protein forms R58H.
Identifiers: ClinVar variation 321812 (VCV000321812.14), dbSNP rs772223730, ClinGen allele CA8402250.